The following is an entry in ClinVar:

ClinVar aggregate classification (germline): Uncertain significance. Review status: criteria provided, multiple submitters, no conflicts (2 of 4 stars). 2 submissions from 2 submitters: Uncertain significance (2). Last evaluated 2024-12-06.

Conditions:
Wagner disease. Also called: WAGNER VITREORETINAL DEGENERATION; WAGNER VITREORETINOPATHY; Wagner Vitreoretinal Degeneration (Wagner Synrdome); WAGNER SYNDROME 1; HYALOIDEORETINAL DEGENERATION OF WAGNER; Wagner syndrome. Identifiers: Orphanet 898, MedGen C1840452, MONDO:0007740, OMIM 143200.

Allele frequency attached by ClinVar (database versions not stated): gnomAD exomes below 0.00001; TOPMed below 0.00001.
gnomAD v4.1: 3 of 1,613,774 alleles (0.00019%); highest among the groups gnomAD compares: South Asian, 0.0011%; no homozygotes.

Submissions (2):

Labcorp Genetics (formerly Invitae), Labcorp
Classification: Uncertain significance. Last evaluated: 2024-12-06. Review status: criteria provided, single submitter. Criteria: Invitae Variant Classification Sherloc (09022015). Collection method: clinical testing. Allele origin: germline.
Comment: This sequence change replaces arginine, which is basic and polar, with tryptophan, which is neutral and slightly polar, at codon 3389 of the VCAN protein (p.Arg3389Trp). The frequency data for this variant in the population databases is considered unreliable, as metrics indicate poor data quality at this position in the gnomAD database. This variant has not been reported in the literature in individuals affected with VCAN-related conditions. ClinVar contains an entry for this variant (Variation ID: 970182). An algorithm developed to predict the effect of missense changes on protein structure and function (PolyPhen-2) suggests that this variant is likely to be disruptive. In summary, the available evidence is currently insufficient to determine the role of this variant in disease. Therefore, it has been classified as a Variant of Uncertain Significance.

Genomic Medicine Center of Excellence, King Faisal Specialist Hospital and Research Centre
Classification: Uncertain significance for Wagner disease. Last evaluated: 2024-03-26. Review status: criteria provided, single submitter. Criteria: ACMG Guidelines, 2015. Collection method: clinical testing. Allele origin: germline.

NM_004385.5(VCAN):c.10165C>T (p.Arg3389Trp)

Gene: VCAN (versican; plus strand). Cytogenetic location: 5q14.3.
Variant type: single nucleotide variant.
Coding change: c.10165C>T on transcript NM_004385.5 (MANE Select); coding-DNA position 10165, C replaced by T.
Protein change: p.Arg3389Trp; replaces arginine 3389 with tryptophan.
Molecular consequence: missense variant.
Genome position (GRCh38, 1-based): chr5:83,580,408, C>T. VCF-style: chr5-83580408-C-T. GRCh37 (hg19) VCF-style: chr5-82876227-C-T.
Other names: c.1942C>T, p.Arg648Trp (NM_001126336.3); c.7204C>T, p.Arg2402Trp (NM_001164097.2); c.4903C>T, p.Arg1635Trp (NM_001164098.2); short protein forms R2402W, R648W, R1635W, R3389W.
Identifiers: ClinVar variation 970182 (VCV000970182.11), dbSNP rs1186491764, ClinGen allele CA360302696.